The following is an entry in ClinVar:

NM_004958.4(MTOR):c.748G>C (p.Ala250Pro)

Gene: MTOR (mechanistic target of rapamycin kinase; minus strand). Cytogenetic location: 1p36.22.
Variant type: single nucleotide variant.
Coding change: c.748G>C on transcript NM_004958.4 (MANE Select); coding-DNA position 748, G replaced by C.
Protein change: p.Ala250Pro; replaces alanine 250 with proline.
Molecular consequence: missense variant. On other transcripts: 5 prime UTR variant (1).
Genome position (GRCh38, 1-based): chr1:11,253,931, C>G on the plus strand (G>C on the coding strand, the complement: MTOR is on the minus strand). VCF-style: chr1-11253931-C-G. GRCh37 (hg19) VCF-style: chr1-11313988-C-G.
Other names: c.748G>C, p.Ala250Pro (NM_001386500.1); c.-392G>C (NM_001386501.1); short protein forms A250P.
Identifiers: ClinVar variation 4770395 (VCV004770395.1).
Genomic context (GRCh38, chr1:11,253,931, plus strand): 5'-CGTTAAGGATCAACAAGGCTCCATGGATCCGATCATCCCGATTCATGCCCTTCTCTTTGG[C>G]CAAGGTCTCATCAAATCCCTTCTCTGCTTCTTCAAATGTGTGCTATGTAGAGAGACAGGG-3'
Protein context (NP_004949.1, residues 240-260): EAEKGFDETL[Ala250Pro]KEKGMNRDDR

ClinVar aggregate classification (germline): Uncertain significance (1 of 4 stars; one submission).

gnomAD v4.1: 1 of 1,614,076 alleles (0.000062%); highest among the groups gnomAD compares: Non-Finnish European, 0.000085%; no homozygotes.

Submission:

Labcorp Genetics (formerly Invitae), Labcorp
Classification: Uncertain significance. Last evaluated: 2025-08-22. Review status: criteria provided, single submitter. Criteria: Invitae Variant Classification Sherloc (09022015). Collection method: clinical testing. Allele origin: germline.
Comment: This sequence change replaces alanine, which is neutral and non-polar, with proline, which is neutral and non-polar, at codon 250 of the MTOR protein (p.Ala250Pro). This variant is not present in population databases (gnomAD no frequency). This variant has not been reported in the literature in individuals affected with MTOR-related conditions. Invitae Evidence Modeling of protein sequence and biophysical properties (such as structural, functional, and spatial information, amino acid conservation, physicochemical variation, residue mobility, and thermodynamic stability) indicates that this missense variant is not expected to disrupt MTOR protein function with a negative predictive value of 95%. In summary, the available evidence is currently insufficient to determine the role of this variant in disease. Therefore, it has been classified as a Variant of Uncertain Significance.